The following is an entry in ClinVar:

NM_001110556.2(FLNA):c.182G>C (p.Ser61Thr)

Gene: FLNA (filamin A; minus strand). Cytogenetic location: Xq28.
Variant type: single nucleotide variant.
Coding change: c.182G>C on transcript NM_001110556.2 (MANE Select); coding-DNA position 182, G replaced by C.
Protein change: p.Ser61Thr; replaces serine 61 with threonine.
Molecular consequence: missense variant.
Genome position (GRCh38, 1-based): chrX:154,371,064, C>G on the plus strand (G>C on the coding strand, the complement: FLNA is on the minus strand). VCF-style: chrX-154371064-C-G. GRCh37 (hg19) VCF-style: chrX-153599432-C-G.
Other names: c.182G>C, p.Ser61Thr (NM_001456.4); short protein forms S61T.
Identifiers: ClinVar variation 1803650 (VCV001803650.2), dbSNP rs1557180197, ClinGen allele CA415255125.

ClinVar aggregate classification (germline): Uncertain significance. Review status: criteria provided, multiple submitters, no conflicts (2 of 4 stars). 2 submissions from 2 submitters: Uncertain significance (2). Last evaluated 2026-05-22.

Conditions:
Familial thoracic aortic aneurysm and aortic dissection (TAAD). Also called: Thoracic aortic aneurysms and dissections. Identifiers: Orphanet 91387, MedGen C4707243, MONDO:0019625.

gnomAD v4.1: 6 of 1,205,457 alleles (0.0005%); highest among the groups gnomAD compares: Non-Finnish European, 0.00067%; no homozygotes.

Submissions (2):

Ambry Genetics
Classification: Uncertain significance for Familial thoracic aortic aneurysm and aortic dissection. Last evaluated: 2026-05-22. Review status: criteria provided, single submitter. Criteria: Ambry Variant Classification Scheme 2023. Collection method: clinical testing. Allele origin: germline.

GeneDx
Classification: Uncertain significance. Last evaluated: 2022-06-07. Review status: criteria provided, single submitter. Criteria: GeneDx Variant Classification Process June 2021. Collection method: clinical testing. Allele origin: germline. Affected: yes.
Comment: Not observed at significant frequency in large population cohorts (gnomAD); In silico analysis supports that this missense variant does not alter protein structure/function; Has not been previously published as pathogenic or benign to our knowledge